The following is an entry in ClinVar:

NM_001204.7(BMPR2):c.1151C>T (p.Ala384Val)

Gene: BMPR2 (bone morphogenetic protein receptor type 2; plus strand). Cytogenetic location: 2q33.2.
Variant type: single nucleotide variant.
Coding change: c.1151C>T on transcript NM_001204.7 (MANE Select); coding-DNA position 1151, C replaced by T.
Protein change: p.Ala384Val; replaces alanine 384 with valine.
Molecular consequence: missense variant.
Genome position (GRCh38, 1-based): chr2:202,532,607, C>T. VCF-style: chr2-202532607-C-T. GRCh37 (hg19) VCF-style: chr2-203397330-C-T.
Other names: NM_001204.7(BMPR2):c.1151C>T; p.Ala384Val; c.1151C>T (LRG_712t1); short protein forms A384V.
Identifiers: ClinVar variation 425882 (VCV000425882.3), dbSNP rs1085307305, ClinGen allele CA350341728.

ClinVar aggregate classification (germline): Likely pathogenic. Review status: reviewed by expert panel (3 of 4 stars). 2 submissions from 2 submitters: Likely pathogenic (1). 1 of the submissions does not count toward it. Last evaluated 2026-04-09.

Conditions:
Pulmonary arterial hypertension. Identifiers: Orphanet 182090, MedGen C2973725, MeSH D000081029, MONDO:0015924, HP:0002092.
Pulmonary hypertension, primary, 1 (PPH1). Also called: Pulmonary hypertension, familial primary, 1, with or without HHT. Identifiers: Orphanet 422, MedGen C4552070, MONDO:0024533, OMIM 178600.

Submissions (2):

Clingen Pulmonary Hypertension Variant Curation Expert Panel, ClinGen
Classification: Likely pathogenic for Pulmonary arterial hypertension. Last evaluated: 2026-04-09. Review status: reviewed by expert panel. Criteria: ClinGen PH ACMG Specifications BMPR2 V2.0.0. Collection method: curation. Allele origin: germline. Inheritance: Autosomal dominant inheritance.
Comment: The c.1151C>T (p.Ala384Val) variant is a missense variant located in exon 9 of the BMPR2 gene, predicted to cause substitution of alanine to valine encoding the functionally relevant catalytic kinase domain but without functional evidence indicating critical or non-critical (PM1_moderate). This variant is absent from gnomAD v2.1.1 (controls) and v4.1 (PM2_supporting). BMPR2 has a low rate of benign missense variants and missense variants are a common mechanism of disease (PP2). The REVEL prediction algorithm score is 0.917 and AlphaMissense is 0.9915 indicating pathogenicity (PP3_met). PS2 was not assessed due to lack of paternity data. Functional studies have not been conducted for this variant (PS3 not assessed). In summary, this variant meets the criteria to be classified as a likely pathogenic for pulmonary arterial hypertension based on the ACMG/AMP criteria applied, as specified by the ClinGen Pulmonary Hypertension VCEP: PM1_moderate, PM2_supporting, PP2, PP3_supporting (VCEP specification version 2.0, 1/30/2026).

Rare Disease Genomics Group, St George's University of London
Classification: Pathogenic for Primary pulmonary hypertension. Review status: no assertion criteria provided. Collection method: literature only. Allele origin: germline. Affected: yes. Not counted in ClinVar's aggregate classification.

Literature cited by the submitters: PubMed 23675998 (cited by Rare Disease Genomics Group, St George's University of London).